The following is an entry in ClinVar:

NM_000143.4(FH):c.1091del (p.Gly364fs)

Gene: FH (fumarate hydratase; minus strand). Cytogenetic location: 1q43.
Variant type: Deletion.
Coding change: c.1091del on transcript NM_000143.4 (MANE Select); coding-DNA position 1091, one base deleted (G; older notation c.1091delG).
Protein change: p.Gly364fs; shifts the reading frame from glycine 364.
Molecular consequence: frameshift variant.
Genome position (GRCh38, 1-based): chr1:241,504,059, C deleted on the plus strand (G on the coding strand, the reverse complement: FH is on the minus strand); the first of 2 consecutive C bases (chr1:241,504,059-241,504,060); deleting either gives the same sequence. VCF-style (leftmost placement, unchanged base first): chr1-241504058-TC-T. GRCh37 (hg19) VCF-style: chr1-241667358-TC-T.
Other names: c.1091delG (NM_000143.3); short protein forms G364fs.
Identifiers: ClinVar variation 5021777 (VCV005021777.1).

ClinVar aggregate classification (germline): Pathogenic (1 of 4 stars; one submission).

Conditions:
Hereditary cancer-predisposing syndrome. Also called: Neoplastic Syndromes, Hereditary; Tumor predisposition; Hereditary neoplastic syndrome; Hereditary Cancer Syndrome. Identifiers: Orphanet 140162, MedGen C0027672, MeSH D009386, MONDO:0015356.

Submission:

Ambry Genetics
Classification: Pathogenic for Hereditary cancer-predisposing syndrome. Last evaluated: 2026-08-12. Review status: criteria provided, single submitter. Criteria: Ambry Variant Classification Scheme 2023. Collection method: clinical testing. Allele origin: germline.
Comment: The c.1091delG pathogenic mutation, located in coding exon 7 of the FH gene, results from a deletion of one nucleotide at nucleotide position 1091, causing a translational frameshift with a predicted alternate stop codon (p.G364Efs*9). This variant was reported in individual(s) with features consistent with FH-related tumor predisposition (Ambry internal data). This variant is considered to be rare based on population cohorts in the Genome Aggregation Database (gnomAD). This alteration is expected to result in loss of function by premature protein truncation or nonsense-mediated mRNA decay. As such, this alteration is interpreted as a disease-causing mutation.